The following is an entry in ClinVar:

ClinVar aggregate classification (germline): Likely pathogenic (1 of 4 stars; one submission).

Conditions:
Hereditary coproporphyria (HCP). Also called: COPROPORPHYRINOGEN OXIDASE DEFICIENCY; CPO DEFICIENCY; CPOX DEFICIENCY; CPX DEFICIENCY; Hereditary coproporphyria porphyria; Porphyria hepatica coproporphyria. Identifiers: Orphanet 79273, MedGen C0162531, MONDO:0007369, OMIM 121300.
Harderoporphyria (HARPO). Identifiers: Orphanet 659672, MedGen C0342859, MONDO:0030048, OMIM 618892.

Submission:

Juno Genomics, Hangzhou Juno Genomics, Inc
Classification: Likely pathogenic for Hereditary coproporphyria; Harderoporphyria. Review status: criteria provided, single submitter. Criteria: ACMG Guidelines, 2015. Collection method: clinical testing. Allele origin: germline.
Comment: Null variant in a gene where loss of function (LOF) is a known mechanism of disease.;Absent from controls (or at extremely low frequency if recessive) in Genome Aggregation Database.

NM_000097.7(CPOX):c.155del (p.Gly52fs)

Genes: CPOX (coproporphyrinogen oxidase; minus strand), LOC129937121 (ATAC-STARR-seq lymphoblastoid silent region 14560; plus strand). Cytogenetic location: 3q11.2.
Variant type: Deletion.
Coding change: c.155del on transcript NM_000097.7 (MANE Select); coding-DNA position 155, one base deleted (G; older notation c.155delG).
Protein change: p.Gly52fs; shifts the reading frame from glycine 52.
Molecular consequence: frameshift variant.
Genome position (GRCh38, 1-based): chr3:98,593,350, C deleted on the plus strand (G on the coding strand, the reverse complement: CPOX is on the minus strand); the first of 2 consecutive C bases (chr3:98,593,350-98,593,351); deleting either gives the same sequence. VCF-style (leftmost placement, unchanged base first): chr3-98593349-GC-G. GRCh37 (hg19) VCF-style: chr3-98312193-GC-G.
Other names: short protein forms G52fs.
Identifiers: ClinVar variation 5006709 (VCV005006709.2).
Genomic context (GRCh38, chr3:98,593,349, plus strand): 5'-GGGGCCGCCTCTCGACGTCGAGCCGTGCCCCAGCCCGCGGCTCTGCTCCGTGCCAGCCGG[GC>G]CAGGGGGCCGGCAGACGCGTCCGGCTGCGCTGCGCTGGGACCAGGCTCGGAGCCCTCCGC-3'